The following is an entry in ClinVar:

ClinVar aggregate classification (germline): Uncertain significance (1 of 4 stars; one submission).

Conditions:
PIEZO1-related disorder. Also called: PIEZO1-Related Disorders; PIEZO1-related condition.

gnomAD v4.1: 5 of 1,549,218 alleles (0.00032%); highest among the groups gnomAD compares: Non-Finnish European, 0.00044%; no homozygotes.

Submission:

PreventionGenetics, part of Exact Sciences
Classification: Uncertain significance for PIEZO1-related condition. Last evaluated: 2023-03-06. Review status: criteria provided, single submitter. Criteria: ACMG Guidelines, 2015. Collection method: clinical testing. Allele origin: germline.
Comment: The PIEZO1 c.6811G>C variant is predicted to result in the amino acid substitution p.Glu2271Gln. To our knowledge, this variant has not been reported in the literature or in a large population database, indicating this variant is rare. At this time, the clinical significance of this variant is uncertain due to the absence of conclusive functional and genetic evidence.

NM_001142864.4(PIEZO1):c.6811G>C (p.Glu2271Gln)

Gene: PIEZO1 (piezo type mechanosensitive ion channel component 1 (Er blood group); minus strand). Cytogenetic location: 16q24.3.
Variant type: single nucleotide variant.
Coding change: c.6811G>C on transcript NM_001142864.4 (MANE Select); coding-DNA position 6811, G replaced by C.
Protein change: p.Glu2271Gln; replaces glutamic acid 2271 with glutamine.
Molecular consequence: missense variant.
Genome position (GRCh38, 1-based): chr16:88,716,674, C>G on the plus strand (G>C on the coding strand, the complement: PIEZO1 is on the minus strand). VCF-style: chr16-88716674-C-G. GRCh37 (hg19) VCF-style: chr16-88783082-C-G.
Other names: c.5353G>C, p.Glu1785Gln (NM_014745.1); short protein forms E1785Q, E2271Q.
Identifiers: ClinVar variation 2633818 (VCV002633818.1), dbSNP rs1281130038, ClinGen allele CA397077025.